The following is an entry in ClinVar:

NM_020632.3(ATP6V0A4):c.291+1G>T

Gene: ATP6V0A4 (ATPase H+ transporting V0 subunit a4; minus strand). Cytogenetic location: 7q34.
Variant type: single nucleotide variant.
Coding change: c.291+1G>T on transcript NM_020632.3 (MANE Select); the canonical splice donor site of the intron after coding-DNA position 291, G replaced by T.
Molecular consequence: splice donor variant.
Genome position (GRCh38, 1-based): chr7:138,768,779, C>A on the plus strand (G>T on the coding strand, the complement: ATP6V0A4 is on the minus strand). VCF-style: chr7-138768779-C-A. GRCh37 (hg19) VCF-style: chr7-138453524-C-A.
Other names: c.291+1G>T (NM_130840.3, NM_130841.3).
Identifiers: ClinVar variation 1516438 (VCV001516438.6), dbSNP rs775764426, ClinGen allele CA4505184.

ClinVar aggregate classification (germline): Likely pathogenic (1 of 4 stars; one submission).

Allele frequency attached by ClinVar (database versions not stated): gnomAD exomes below 0.00001; gnomAD 0.00001; ExAC 0.00002; 1000 Genomes Project 30x 0.00016.
gnomAD v4.1: 2 of 1,614,138 alleles (0.00012%); highest among the groups gnomAD compares: Non-Finnish European, 0.00017%; no homozygotes.

Submission:

Labcorp Genetics (formerly Invitae), Labcorp
Classification: Likely pathogenic. Last evaluated: 2021-08-16. Review status: criteria provided, single submitter. Criteria: Invitae Variant Classification Sherloc (09022015). Collection method: clinical testing. Allele origin: germline.
Comment: This sequence change affects a donor splice site in intron 5 of the ATP6V0A4 gene. It is expected to disrupt RNA splicing. Variants that disrupt the donor or acceptor splice site typically lead to a loss of protein function (PMID: 16199547), and loss-of-function variants in ATP6V0A4 are known to be pathogenic (PMID: 12414817, 16611712). This variant is present in population databases (rs775764426, ExAC 0.009%). This variant has not been reported in the literature in individuals affected with ATP6V0A4-related conditions. Algorithms developed to predict the effect of sequence changes on RNA splicing suggest that this variant may disrupt the consensus splice site. In summary, the currently available evidence indicates that the variant is pathogenic, but additional data are needed to prove that conclusively. Therefore, this variant has been classified as Likely Pathogenic.

Literature cited by the submitters: PubMed 16199547; PubMed 12414817; PubMed 16611712.